The following is an entry in ClinVar:

ClinVar aggregate classification (germline): Uncertain significance. Review status: criteria provided, multiple submitters, no conflicts (2 of 4 stars). 2 submissions from 2 submitters: Uncertain significance (2). Last evaluated 2025-02-02.

Conditions:
Hereditary cancer-predisposing syndrome. Also called: Hereditary neoplastic syndrome; Hereditary Cancer Syndrome; Tumor predisposition; Neoplastic Syndromes, Hereditary. Identifiers: Orphanet 140162, MedGen C0027672, MeSH D009386, MONDO:0015356.
Familial cancer of breast. Also called: hereditary breast carcinoma; Hereditary breast cancer; BREAST CANCER, FAMILIAL. Identifiers: Orphanet 227535, MedGen C0346153, MONDO:0016419, OMIM 114480. Disease mechanism: loss of function.

gnomAD v4.1: 1 of 1,614,188 alleles (0.000062%); highest among the groups gnomAD compares: Non-Finnish European, 0.000085%; no homozygotes.

Submissions (2):

Ambry Genetics
Classification: Uncertain significance for Hereditary cancer-predisposing syndrome. Last evaluated: 2025-02-02. Review status: criteria provided, single submitter. Criteria: Ambry Variant Classification Scheme 2023. Collection method: clinical testing. Allele origin: germline.
Comment: The p.K681R variant (also known as c.2042A>G), located in coding exon 5 of the PALB2 gene, results from an A to G substitution at nucleotide position 2042. The lysine at codon 681 is replaced by arginine, an amino acid with highly similar properties. This amino acid position is conserved. In addition, this alteration is predicted to be tolerated by in silico analysis. Based on the available evidence, the clinical significance of this variant remains unclear.

Labcorp Genetics (formerly Invitae), Labcorp
Classification: Uncertain significance for Familial cancer of breast. Last evaluated: 2022-06-07. Review status: criteria provided, single submitter. Criteria: Invitae Variant Classification Sherloc (09022015). Collection method: clinical testing. Allele origin: germline.
Comment: In summary, the available evidence is currently insufficient to determine the role of this variant in disease. Therefore, it has been classified as a Variant of Uncertain Significance. Algorithms developed to predict the effect of missense changes on protein structure and function are either unavailable or do not agree on the potential impact of this missense change (SIFT: "Tolerated"; PolyPhen-2: "Possibly Damaging"; Align-GVGD: "Class C0"). This variant has not been reported in the literature in individuals affected with PALB2-related conditions. This variant is not present in population databases (gnomAD no frequency). This sequence change replaces lysine, which is basic and polar, with arginine, which is basic and polar, at codon 681 of the PALB2 protein (p.Lys681Arg).

NM_024675.4(PALB2):c.2042A>G (p.Lys681Arg)

Gene: PALB2 (partner and localizer of BRCA2; minus strand). Cytogenetic location: 16p12.2.
Variant type: single nucleotide variant.
Coding change: c.2042A>G on transcript NM_024675.4 (MANE Select); coding-DNA position 2042, A replaced by G.
Protein change: p.Lys681Arg; replaces lysine 681 with arginine.
Molecular consequence: missense variant.
Genome position (GRCh38, 1-based): chr16:23,630,112, T>C on the plus strand (A>G on the coding strand, the complement: PALB2 is on the minus strand). VCF-style: chr16-23630112-T-C. GRCh37 (hg19) VCF-style: chr16-23641433-T-C.
Other names: c.1982A>G, p.Lys661Arg (NM_001407296.1); c.2042A>G, p.Lys681Arg (NM_001407297.1, NM_001407298.1, NM_001407299.1 and 3 more transcripts); c.1157A>G, p.Lys386Arg (NM_001407304.1, NM_001407305.1, NM_001407306.1 and 5 more transcripts); c.254A>G, p.Lys85Arg (NM_001407312.1, NM_001407313.1); short protein forms K681R, K85R, K386R, K661R.
Identifiers: ClinVar variation 2002808 (VCV002002808.5), dbSNP rs1555460514, ClinGen allele CA395126878.
Genomic context (GRCh38, chr16:23,630,112, plus strand): 5'-GATGAAGAAAGGCCCGTCTTTGTATGCTGGCTTTGCGAGTTTGGCCTTTTGGGATGTGAT[T>C]TTCCTGGTAGAACAATAAGGTCCTCTTCTAAGTCCTCCATTTCTGTATCCATGCGTTTAG-3'
Protein context (NP_078951.2, residues 671-691): LEEDLIVLPG[Lys681Arg]SHPKRPNSQS